The following is an entry in ClinVar:

ClinVar aggregate classification (germline): Uncertain significance (1 of 4 stars; one submission).

Conditions:
Inborn genetic diseases. Identifiers: MedGen C0950123, MeSH D030342.

Submission:

Ambry Genetics
Classification: Uncertain significance for Inborn genetic diseases. Last evaluated: 2024-12-20. Review status: criteria provided, single submitter. Criteria: Ambry Variant Classification Scheme 2023. Collection method: clinical testing. Allele origin: germline.
Comment: The p.T205R variant (also known as c.614C>G), located in coding exon 1 of the SAMD9 gene, results from a C to G substitution at nucleotide position 614. The threonine at codon 205 is replaced by arginine, an amino acid with similar properties. This amino acid position is conserved. In addition, this alteration is predicted to be tolerated by in silico analysis. Based on the available evidence, the clinical significance of this variant remains unclear.

NM_017654.4(SAMD9):c.614C>G (p.Thr205Arg)

Gene: SAMD9 (sterile alpha motif domain containing 9; minus strand). Cytogenetic location: 7q21.2.
Variant type: single nucleotide variant.
Coding change: c.614C>G on transcript NM_017654.4 (MANE Select); coding-DNA position 614, C replaced by G.
Protein change: p.Thr205Arg; replaces threonine 205 with arginine.
Molecular consequence: missense variant.
Genome position (GRCh38, 1-based): chr7:93,105,484, G>C on the plus strand (C>G on the coding strand, the complement: SAMD9 is on the minus strand). VCF-style: chr7-93105484-G-C. GRCh37 (hg19) VCF-style: chr7-92734797-G-C.
Other names: c.614C>G, p.Thr205Arg (NM_001193307.2); short protein forms T205R.
Identifiers: ClinVar variation 3791926 (VCV003791926.1).